The following is an entry in ClinVar:

NM_022893.4(BCL11A):c.1488_1499del (p.Glu501_Glu504del)

Gene: BCL11A (BCL11 transcription factor A; minus strand). Cytogenetic location: 2p16.1.
Variant type: Deletion.
Coding change: c.1488_1499del on transcript NM_022893.4 (MANE Select); coding-DNA positions 1488 to 1499, 12 bases deleted (AGAGGAGGAAGA).
Protein change: p.Glu501_Glu504del.
Molecular consequence: inframe deletion. On other transcripts: intron variant (6).
Genome position (GRCh38, 1-based): chr2:60,461,413-60,461,424, TCTTCCTCCTCT deleted on the plus strand (AGAGGAGGAAGA on the coding strand, the reverse complement: BCL11A is on the minus strand); deleting any 12 consecutive bases within chr2:60,461,413-60,461,432 gives the same sequence; the c. name uses the placement nearest the transcript's 3' end. VCF-style (leftmost placement, unchanged base first): chr2-60461412-CTCTTCCTCCTCT-C. GRCh37 (hg19) VCF-style: chr2-60688547-CTCTTCCTCCTCT-C.
Other names: c.474+858_474+869del (NM_001405735.1, NM_001405734.1); c.372+858_372+869del (NM_001405736.1); c.1386_1397del, p.Glu467_Glu470del (NM_001405719.1, NM_001363864.1, NM_001365609.1 and 2 more transcripts); c.1155_1166del, p.Glu390_Glu393del (NM_001405720.1, NM_001405721.1); c.1332_1343del, p.Glu449_Glu452del (NM_001405722.1, NM_001405723.1, NM_001405713.1 and 3 more transcripts); c.1230_1241del, p.Glu415_Glu418del (NM_001405724.1, NM_001405717.1, NM_001405718.1); c.1032_1043del, p.Glu349_Glu352del (NM_001405725.1, NM_001405726.1, NM_001405727.1 and 1 more transcripts); c.795_806del, p.Glu270_Glu273del (NM_001405729.1); and 5 more.
Identifiers: ClinVar variation 5017119 (VCV005017119.1).

ClinVar aggregate classification (germline): Uncertain significance (1 of 4 stars; one submission).

Submission:

GeneDx
Classification: Uncertain significance. Last evaluated: 2026-03-25. Review status: criteria provided, single submitter. Criteria: GeneDx Variant Classification Process June 2021. Collection method: clinical testing. Allele origin: germline.
Comment: Not observed at significant frequency in large population cohorts (gnomAD); In-frame deletion of 4 amino acid(s) in a non-repeat region; In silico analysis suggests that this variant does not alter protein structure/function; Has not been previously published as pathogenic or benign to our knowledge